The following is an entry in ClinVar:

NM_022552.5(DNMT3A):c.1906G>T (p.Val636Leu)

Gene: DNMT3A (DNA methyltransferase 3 alpha; minus strand). Cytogenetic location: 2p23.3.
Variant type: single nucleotide variant.
Coding change: c.1906G>T on transcript NM_022552.5 (MANE Select); coding-DNA position 1906, G replaced by T.
Protein change: p.Val636Leu; replaces valine 636 with leucine.
Molecular consequence: missense variant. On other transcripts: non-coding transcript variant (1).
Genome position (GRCh38, 1-based): chr2:25,243,928, C>A on the plus strand (G>T on the coding strand, the complement: DNMT3A is on the minus strand). VCF-style: chr2-25243928-C-A. GRCh37 (hg19) VCF-style: chr2-25466797-C-A.
Other names: c.1906G>T, p.Val636Leu (NM_175629.2); c.1450G>T, p.Val484Leu (NM_001320893.1); c.1237G>T, p.Val413Leu (NM_001375819.1); c.1339G>T, p.Val447Leu (NM_153759.3); short protein forms V413L, V447L, V484L, V636L.
Identifiers: ClinVar variation 3897189 (VCV003897189.1).

ClinVar aggregate classification (germline): Likely pathogenic (1 of 4 stars; one submission).

gnomAD v4.1: 11 of 1,552,084 alleles (0.00071%); highest among the groups gnomAD compares: African/African-American, 0.0027%; no homozygotes.

Submission:

GeneDx
Classification: Likely pathogenic. Last evaluated: 2024-10-20. Review status: criteria provided, single submitter. Criteria: GeneDx Variant Classification Process June 2021. Collection method: clinical testing. Allele origin: germline. Affected: yes.
Comment: In silico analysis supports that this missense variant has a deleterious effect on protein structure/function; Has not been previously reported as a pathogenic or benign germline variant to our knowledge; This variant is associated with the following publications: (PMID: 38976813, 34617422)